The following is an entry in ClinVar:

ClinVar aggregate classification (germline): Likely benign. Review status: criteria provided, single submitter (1 of 4 stars). 2 submissions from 2 submitters: Likely benign (1). 1 of the submissions does not count toward it. Last evaluated 2020-02-13.

Conditions:
APOB-related disorder. Also called: APOB-related condition; APOB-related disorders.

Allele frequency attached by ClinVar (database versions not stated): gnomAD exomes below 0.00001.
gnomAD v4.1: 5 of 1,614,098 alleles (0.00031%); highest among the groups gnomAD compares: Non-Finnish European, 0.00042%; no homozygotes.

Submissions (2):

Blueprint Genetics
Classification: Likely benign. Last evaluated: 2020-02-13. Review status: criteria provided, single submitter. Criteria: ACMG Guidelines, 2015. Collection method: clinical testing. Allele origin: germline.

PreventionGenetics, part of Exact Sciences
Classification: Likely benign for APOB-related condition. Last evaluated: 2022-03-14. Review status: no assertion criteria provided. Collection method: clinical testing. Allele origin: germline. Not counted in ClinVar's aggregate classification.
Comment: This variant is classified as likely benign based on ACMG/AMP sequence variant interpretation guidelines (Richards et al. 2015 PMID: 25741868, with internal and published modifications).

NM_000384.3(APOB):c.9384T>A (p.Ile3128=)

Gene: APOB (apolipoprotein B; minus strand). Cytogenetic location: 2p24.1.
Variant type: single nucleotide variant.
Coding change: c.9384T>A on transcript NM_000384.3 (MANE Select); coding-DNA position 9384, T replaced by A.
Protein change: p.Ile3128=; no amino-acid change (isoleucine 3128 retained).
Molecular consequence: synonymous variant.
Genome position (GRCh38, 1-based): chr2:21,007,484, A>T on the plus strand (T>A on the coding strand, the complement: APOB is on the minus strand). VCF-style: chr2-21007484-A-T. GRCh37 (hg19) VCF-style: chr2-21230356-A-T.
Identifiers: ClinVar variation 3031995 (VCV003031995.3), dbSNP rs2465363214, ClinGen allele CA425344390.